The following is an entry in ClinVar:

NM_023036.6(DNAI2):c.883C>T (p.Arg295Ter)

Gene: DNAI2 (dynein axonemal intermediate chain 2; plus strand). Cytogenetic location: 17q25.1.
Variant type: single nucleotide variant.
Coding change: c.883C>T on transcript NM_023036.6 (MANE Select); coding-DNA position 883, C replaced by T.
Protein change: p.Arg295Ter; replaces arginine 295 with a stop codon.
Molecular consequence: nonsense. On other transcripts: non-coding transcript variant (1).
Genome position (GRCh38, 1-based): chr17:74,301,064, C>T. VCF-style: chr17-74301064-C-T. GRCh37 (hg19) VCF-style: chr17-72297203-C-T.
Other names: p.Arg295*; c.883C>T, p.Arg295Ter (NM_001172810.3, NM_001353167.2); c.883C>T (NM_023036.5); short protein forms R295*.
Identifiers: ClinVar variation 408961 (VCV000408961.18), dbSNP rs200708870, ClinGen allele CA8745538.

ClinVar aggregate classification (germline): Pathogenic/Likely pathogenic. Review status: criteria provided, multiple submitters, no conflicts (2 of 4 stars). 5 submissions from 5 submitters: Pathogenic (4); Likely pathogenic (1). Last evaluated 2026-02-02.

Conditions:
Kartagener syndrome (CILD1). Also called: Dextrocardia bronchiectasis and sinusitis; IMMOTILE CILIA SYNDROME; POLYNESIAN BRONCHIECTASIS; CILIARY DYSKINESIA, PRIMARY, 1; CILIARY DYSKINESIA, PRIMARY, 1, WITH OR WITHOUT SITUS INVERSUS; SIEWERT SYNDROME. Identifiers: Orphanet 244, MedGen C4551906, MONDO:0009484, OMIM 244400.
Primary ciliary dyskinesia 9. Also called: CILIARY DYSKINESIA, PRIMARY, 9, WITH OR WITHOUT SITUS INVERSUS. Identifiers: Orphanet 244, MedGen C2676235, MONDO:0012906, OMIM 612444.
Primary ciliary dyskinesia. Also called: Ciliary dyskinesia. Identifiers: Orphanet 244, MedGen C0008780, MONDO:0016575, HP:0012265.

Allele frequency attached by ClinVar (database versions not stated): gnomAD 0.00001; gnomAD exomes 0.00001 and 0.00002; ExAC 0.00002; TOPMed 0.00002; 1000 Genomes Project 30x 0.00016; 1000 Genomes Project 0.00020.

Submissions (5):

Coskunpinar Laboratory, Saglik Bilimleri University, Hamidiye School of Medicine
Classification: Pathogenic for Kartagener syndrome. Last evaluated: 2026-02-02. Review status: criteria provided, single submitter. Criteria: ACMG Guidelines, 2015. Collection method: research. Allele origin: germline. Affected: yes. Observed: 1 variant allele, 1 homozygote.
Comment: Classification aligns with existing ClinVar pathogenic assertions (CLINVAR: RCV000471217.8). Nonsense variant in an established primary ciliary dyskinesia disease gene (OMIM:244400), predicted to result in loss of function. Classification is consistent with Qiagen Clinical Insight Interpret assessment which implements ACMG/AMP variant interpretation guidelines.

Labcorp Genetics (formerly Invitae), Labcorp
Classification: Pathogenic for Primary ciliary dyskinesia. Last evaluated: 2025-10-19. Review status: criteria provided, single submitter. Criteria: Invitae Variant Classification Sherloc (09022015). Collection method: clinical testing. Allele origin: germline.
Comment: This sequence change creates a premature translational stop signal (p.Arg295*) in the DNAI2 gene. It is expected to result in an absent or disrupted protein product. Loss-of-function variants in DNAI2 are known to be pathogenic (PMID: 18950741, 23891469). This variant is present in population databases (rs200708870, gnomAD 0.006%). This variant has not been reported in the literature in individuals affected with DNAI2-related conditions. ClinVar contains an entry for this variant (Variation ID: 408961). For these reasons, this variant has been classified as Pathogenic.

Natera, Inc.
Classification: Pathogenic for Primary ciliary dyskinesia. Last evaluated: 2025-06-23. Review status: criteria provided, single submitter. Criteria: Natera Variant Classification Schema (03/2026). Collection method: clinical testing. Allele origin: germline.
Comment: The c.883C>T variant in DNAI2 is a nonsense variant predicted to introduce a stop codon at amino acid 295. This variant is expected to result in nonsense mediated decay, truncation, or a dysfunctional protein product. This variant is rare in the general population with a frequency below the threshold expected for the associated phenotype(s). This variant has been observed in one or more individuals affected with the associated recessive disease, as either homozygous or compound heterozygous with a second variant (PMID: 31879361). Given the available evidence, this variant is classified as Pathogenic.

GeneDx
Classification: Pathogenic. Last evaluated: 2025-01-13. Review status: criteria provided, single submitter. Criteria: GeneDx Variant Classification Process June 2021. Collection method: clinical testing. Allele origin: germline.
Comment: Nonsense variant predicted to result in protein truncation or nonsense mediated decay in a gene for which loss of function is a known mechanism of disease; This variant is associated with the following publications: (PMID: 31589614, 31879361)

Greenwood Genetic Center Diagnostic Laboratories, Greenwood Genetic Center
Classification: Likely pathogenic for Primary ciliary dyskinesia 9. Last evaluated: 2024-04-19. Review status: criteria provided, single submitter. Criteria: ACMG Guidelines, 2015. Collection method: clinical testing. Allele origin: germline. Affected: yes.
Comment: PVS1, PM2

Literature cited by the submitters: PubMed 18950741 (cited by Labcorp Genetics (formerly Invitae), Labcorp); PubMed 23891469 (cited by Labcorp Genetics (formerly Invitae), Labcorp); PubMed 31879361 (cited by Natera, Inc.).